The following is an entry in ClinVar:

ClinVar aggregate classification (germline): Likely pathogenic (1 of 4 stars; one submission).

Submission:

Athena Diagnostics
Classification: Likely pathogenic. Last evaluated: 2019-03-13. Review status: criteria provided, single submitter. Criteria: Athena Diagnostics Criteria. Collection method: clinical testing. Allele origin: germline.
Comment: The variant results in a shift of the reading frame, and is therefore predicted to result in the loss of a functional protein. The best available variant frequency is uninformative because there are too few occurrences in population data.

NM_000209.4(PDX1):c.683_699del (p.Ala228fs)

Gene: PDX1 (pancreatic and duodenal homeobox 1; plus strand). Cytogenetic location: 13q12.2.
Variant type: Deletion.
Coding change: c.683_699del on transcript NM_000209.4 (MANE Select); coding-DNA positions 683 to 699, 17 bases deleted (CCGTGACCTCCGGCGAG).
Protein change: p.Ala228fs; shifts the reading frame from alanine 228.
Molecular consequence: frameshift variant.
Genome position (GRCh38, 1-based): chr13:27,924,532-27,924,548, CCGTGACCTCCGGCGAG deleted; deleting any 17 consecutive bases within chr13:27,924,531-27,924,548 gives the same sequence; the c. name uses the placement nearest the transcript's 3' end. VCF-style (leftmost placement, unchanged base first): chr13-27924530-CGCCGTGACCTCCGGCGA-C. GRCh37 (hg19) VCF-style: chr13-28498667-CGCCGTGACCTCCGGCGA-C.
Other names: short protein forms A228fs.
Identifiers: ClinVar variation 804928 (VCV000804928.1), dbSNP rs1566025668, ClinGen allele CA608987679.